The following is an entry in ClinVar:

ClinVar aggregate classification (germline): Uncertain significance (1 of 4 stars; one submission).

Submission:

GeneDx
Classification: Uncertain significance. Last evaluated: 2024-02-05. Review status: criteria provided, single submitter. Criteria: GeneDx Variant Classification Process June 2021. Collection method: clinical testing. Allele origin: germline. Affected: yes.
Comment: Not observed at significant frequency in large population cohorts (gnomAD); In silico analysis supports a deleterious effect on splicing; Has not been previously published as pathogenic or benign to our knowledge

NM_004539.4(NARS1):c.252+5G>T

Gene: NARS1 (asparaginyl-tRNA synthetase 1; minus strand). Cytogenetic location: 18q21.31.
Variant type: single nucleotide variant.
Coding change: c.252+5G>T on transcript NM_004539.4 (MANE Select); 5 bases into the intron after coding-DNA position 252, G replaced by T.
Molecular consequence: intron variant.
Genome position (GRCh38, 1-based): chr18:57,615,812, C>A on the plus strand (G>T on the coding strand, the complement: NARS1 is on the minus strand). VCF-style: chr18-57615812-C-A. GRCh37 (hg19) VCF-style: chr18-55283044-C-A.
Identifiers: ClinVar variation 3368613 (VCV003368613.1).